The following is an entry in ClinVar:

NM_001845.6(COL4A1):c.4957G>C (p.Gly1653Arg)

Gene: COL4A1 (collagen type IV alpha 1 chain; minus strand). Cytogenetic location: 13q34.
Variant type: single nucleotide variant.
Coding change: c.4957G>C on transcript NM_001845.6 (MANE Select); coding-DNA position 4957, G replaced by C.
Protein change: p.Gly1653Arg; replaces glycine 1653 with arginine.
Molecular consequence: missense variant.
Genome position (GRCh38, 1-based): chr13:110,150,416, C>G on the plus strand (G>C on the coding strand, the complement: COL4A1 is on the minus strand). VCF-style: chr13-110150416-C-G. GRCh37 (hg19) VCF-style: chr13-110802763-C-G.
Other names: short protein forms G1653R.
Identifiers: ClinVar variation 2853753 (VCV002853753.3), dbSNP rs2501712104, ClinGen allele CA388653628.

ClinVar aggregate classification (germline): Uncertain significance (1 of 4 stars; one submission).

Allele frequency attached by ClinVar (database versions not stated): gnomAD exomes below 0.00001.
gnomAD v4.1: 1 of 1,614,102 alleles (0.000062%); highest among the groups gnomAD compares: Non-Finnish European, 0.000085%; no homozygotes.

Submission:

Labcorp Genetics (formerly Invitae), Labcorp
Classification: Uncertain significance. Last evaluated: 2024-01-09. Review status: criteria provided, single submitter. Criteria: Invitae Variant Classification Sherloc (09022015). Collection method: clinical testing. Allele origin: germline.
Comment: This sequence change replaces glycine, which is neutral and non-polar, with arginine, which is basic and polar, at codon 1653 of the COL4A1 protein (p.Gly1653Arg). This variant is not present in population databases (gnomAD no frequency). This variant has not been reported in the literature in individuals affected with COL4A1-related conditions. Experimental studies and prediction algorithms are not available or were not evaluated, and the functional significance of this variant is currently unknown. In summary, the available evidence is currently insufficient to determine the role of this variant in disease. Therefore, it has been classified as a Variant of Uncertain Significance.